The following is an entry in ClinVar:

NM_001184742.2(ZBTB33):c.*1127T>G

Genes: TMEM255A (transmembrane protein 255A; minus strand), ZBTB33 (zinc finger and BTB domain containing 33; plus strand). Cytogenetic location: Xq24.
Variant type: single nucleotide variant.
Coding change: c.*1127T>G on transcript NM_001184742.2 (MANE Select); 1127 bases downstream of the stop codon, T replaced by G.
Molecular consequence: 3 prime UTR variant.
Genome position (GRCh38, 1-based): chrX:120,256,561, T>G. VCF-style: chrX-120256561-T-G. GRCh37 (hg19) VCF-style: chrX-119390416-T-G.
Other names: c.*1127T>G (NM_006777.4).
Identifiers: ClinVar variation 2661321 (VCV002661321.24), dbSNP rs782807099, ClinGen allele CA335000654.

ClinVar aggregate classification (germline): Benign (1 of 4 stars; one submission).

Allele frequency attached by ClinVar (database versions not stated): gnomAD exomes 0.00009; 1000 Genomes Project 0.00053; 1000 Genomes Project 30x 0.00062.
gnomAD v4.1: 155 of 122,904 alleles (0.13%); highest among the groups gnomAD compares: Non-Finnish European, 0.22%; no homozygotes.

Submission:

CeGaT Center for Human Genetics Tuebingen
Classification: Benign. Last evaluated: 2024-09-01. Review status: criteria provided, single submitter. Criteria: CeGaT Center For Human Genetics Tuebingen Variant Classification Criteria Version 2. Collection method: clinical testing. Allele origin: germline. Affected: yes. Observed: 2 variant alleles.
Comment: ZBTB33: BS1, BS2